The following is an entry in ClinVar:

ClinVar aggregate classification (germline): Uncertain significance. Review status: criteria provided, multiple submitters, no conflicts (2 of 4 stars). 3 submissions from 3 submitters: Uncertain significance (3). Last evaluated 2025-09-15.

Conditions:
Cardiovascular phenotype. Identifiers: MedGen CN230736.
MASS syndrome (OCTD). Also called: OVERLAP CONNECTIVE TISSUE DISEASE; MASS PHENOTYPE. Identifiers: MedGen C1858556, MONDO:0011431, OMIM 604308.
Progeroid and marfanoid aspect-lipodystrophy syndrome. Also called: MARFANOID-PROGEROID SYNDROME; MARFAN-PROGEROID-LIPODYSTROPHY SYNDROME; Marfan lipodystrophy syndrome; MARFANOID-PROGEROID-LIPODYSTROPHY SYNDROME. Identifiers: Orphanet 300382, MedGen C4310796, MONDO:0014831, OMIM 616914.
Ectopia lentis 1, isolated, autosomal dominant (ECTOL1). Identifiers: Orphanet 1885, MedGen C3541518, MONDO:0007514, OMIM 129600.
Weill-Marchesani syndrome 2, dominant. Also called: Weill-Marchesani Syndrome, Autosomal Dominant; FBN1-Related Weill-Marchesani Syndrome. Identifiers: Orphanet 2084, MedGen C1869115, MONDO:0012013, OMIM 608328.
Acromicric dysplasia (ACMICD). Also called: Acromicric skeletal dysplasia. Identifiers: Orphanet 969, MedGen C0265287, MONDO:0007055, OMIM 102370.
Geleophysic dysplasia 2 (GPHYSD2). Identifiers: Orphanet 2623, MedGen C3280054, MONDO:0013612, OMIM 614185.
Stiff skin syndrome (SSKS). Identifiers: Orphanet 2833, MedGen C1861456, MONDO:0008492, OMIM 184900.
Marfan syndrome (MFS). Also called: Marfan syndrome type 1; Marfan syndrome, classic; Marfan's syndrome; FBN1-Related Marfan Syndrome; MARFAN SYNDROME, TYPE I. Identifiers: Orphanet 284963, Orphanet 558, MedGen C0024796, MONDO:0007947, OMIM 154700.
Familial thoracic aortic aneurysm and aortic dissection (TAAD). Also called: Thoracic aortic aneurysms and dissections. Identifiers: Orphanet 91387, MedGen C4707243, MONDO:0019625.

Submissions (3):

Color Diagnostics, LLC DBA Color Health
Classification: Uncertain significance for Familial thoracic aortic aneurysm and aortic dissection. Last evaluated: 2025-09-15. Review status: criteria provided, single submitter. Criteria: ACMG Guidelines, 2015. Collection method: clinical testing. Allele origin: germline.
Comment: This missense variant replaces glycine with alanine at codon 1994 of the FBN1 protein. Computational prediction suggests that this variant may have deleterious impact on protein structure and function. To our knowledge, functional studies have not been reported for this variant. This variant has not been reported in individuals affected with FBN1-related disorders in the literature. This variant has not been identified in the general population by the Genome Aggregation Database (gnomAD). The available evidence is insufficient to determine the role of this variant in disease conclusively. Therefore, this variant is classified as a Variant of Uncertain Significance.

Fulgent Genetics
Classification: Uncertain significance for Acromicric dysplasia; Ectopia lentis 1, isolated, autosomal dominant; Marfan syndrome; Stiff skin syndrome; MASS syndrome; Weill-Marchesani syndrome 2, dominant; Geleophysic dysplasia 2; Progeroid and marfanoid aspect-lipodystrophy syndrome. Last evaluated: 2021-10-16. Review status: criteria provided, single submitter. Criteria: ACMG Guidelines, 2015. Collection method: clinical testing. Allele origin: unknown.

Ambry Genetics
Classification: Uncertain significance for Cardiovascular phenotype. Last evaluated: 2018-05-15. Review status: criteria provided, single submitter. Criteria: Ambry Autosomal Dominant and X-Linked criteria (3/2017). Collection method: clinical testing. Allele origin: germline. Observed: 1 variant allele.
Comment: The p.G1994A variant (also known as c.5981G>C), located in coding exon 48 of the FBN1 gene, results from a G to C substitution at nucleotide position 5981. The glycine at codon 1994 is replaced by alanine, an amino acid with similar properties. This amino acid position is highly conserved in available vertebrate species. In addition, this alteration is predicted to be deleterious by in silico analysis. Since supporting evidence is limited at this time, the clinical significance of this alteration remains unclear.

NM_000138.5(FBN1):c.5981G>C (p.Gly1994Ala)

Gene: FBN1 (fibrillin 1; minus strand). Cytogenetic location: 15q21.1.
Variant type: single nucleotide variant.
Coding change: c.5981G>C on transcript NM_000138.5 (MANE Select); coding-DNA position 5981, G replaced by C.
Protein change: p.Gly1994Ala; replaces glycine 1994 with alanine.
Molecular consequence: missense variant.
Genome position (GRCh38, 1-based): chr15:48,444,597, C>G on the plus strand (G>C on the coding strand, the complement: FBN1 is on the minus strand). VCF-style: chr15-48444597-C-G. GRCh37 (hg19) VCF-style: chr15-48736794-C-G.
Other names: short protein forms G1994A.
Identifiers: ClinVar variation 520238 (VCV000520238.6), dbSNP rs1484900122, ClinGen allele CA392339760.